The following is an entry in ClinVar:

ClinVar aggregate classification (germline): Uncertain significance (1 of 4 stars; one submission).

Submission:

GeneDx
Classification: Uncertain significance. Last evaluated: 2024-04-24. Review status: criteria provided, single submitter. Criteria: GeneDx Variant Classification Process June 2021. Collection method: clinical testing. Allele origin: germline. Affected: yes.
Comment: Not observed at significant frequency in large population cohorts (gnomAD); In silico analysis supports that this missense variant has a deleterious effect on protein structure/function; Has not been previously published as pathogenic or benign to our knowledge

NM_007118.4(TRIO):c.5573A>C (p.Glu1858Ala)

Gene: TRIO (trio Rho guanine nucleotide exchange factor; plus strand). Cytogenetic location: 5p15.2.
Variant type: single nucleotide variant.
Coding change: c.5573A>C on transcript NM_007118.4 (MANE Select); coding-DNA position 5573, A replaced by C.
Protein change: p.Glu1858Ala; replaces glutamic acid 1858 with alanine.
Molecular consequence: missense variant. On other transcripts: non-coding transcript variant (1).
Genome position (GRCh38, 1-based): chr5:14,462,831, A>C. VCF-style: chr5-14462831-A-C. GRCh37 (hg19) VCF-style: chr5-14462940-A-C.
Other names: short protein forms E1858A.
Identifiers: ClinVar variation 3372659 (VCV003372659.1).
Genomic context (GRCh38, chr5:14,462,831, plus strand): 5'-GCCTGAGCAGCGGTACTCTCTCCAAATCCTCCTCCTCGGGGATGCAGAGCTGTGGAGAAG[A>C]GGAAGGCGAGGAGGGGGCCGACGCCGTGCCCCTGCCGCCACCCATGGCCATCCAGCAGCA-3'
Protein context (NP_009049.2, residues 1848-1868): SSSGMQSCGE[Glu1858Ala]EGEEGADAVP